The following is an entry in ClinVar:

ClinVar aggregate classification (germline): Uncertain significance (1 of 4 stars; one submission).

Conditions:
Autoimmune lymphoproliferative syndrome type 1. Also called: AUTOIMMUNE LYMPHOPROLIFERATIVE SYNDROME, TYPE I, AUTOSOMAL DOMINANT. Identifiers: Orphanet 3261, MedGen C2717884, MONDO:0011158, OMIM 601859.

Allele frequency attached by ClinVar (database versions not stated): gnomAD exomes below 0.00001.
gnomAD v4.1: 1 of 1,613,902 alleles (0.000062%); highest among the groups gnomAD compares: Non-Finnish European, 0.000085%; no homozygotes.

Submission:

Labcorp Genetics (formerly Invitae), Labcorp
Classification: Uncertain significance for Autoimmune lymphoproliferative syndrome. Last evaluated: 2022-06-04. Review status: criteria provided, single submitter. Criteria: Invitae Variant Classification Sherloc (09022015). Collection method: clinical testing. Allele origin: germline.
Comment: In summary, the available evidence is currently insufficient to determine the role of this variant in disease. Therefore, it has been classified as a Variant of Uncertain Significance. Algorithms developed to predict the effect of missense changes on protein structure and function are either unavailable or do not agree on the potential impact of this missense change (SIFT: "Not Available"; PolyPhen-2: "Probably Damaging"; Align-GVGD: "Not Available"). ClinVar contains an entry for this variant (Variation ID: 951899). This variant has not been reported in the literature in individuals affected with FAS-related conditions. This variant is not present in population databases (gnomAD no frequency). This sequence change replaces valine, which is neutral and non-polar, with alanine, which is neutral and non-polar, at codon 254 of the FAS protein (p.Val254Ala).

NM_000043.6(FAS):c.761T>C (p.Val254Ala)

Gene: FAS (Fas cell surface death receptor; plus strand). Cytogenetic location: 10q23.31.
Variant type: single nucleotide variant.
Coding change: c.761T>C on transcript NM_000043.6 (MANE Select); coding-DNA position 761, T replaced by C.
Protein change: p.Val254Ala; replaces valine 254 with alanine.
Molecular consequence: missense variant. On other transcripts: 3 prime UTR variant (2), non-coding transcript variant (7).
Genome position (GRCh38, 1-based): chr10:89,014,203, T>C. VCF-style: chr10-89014203-T-C. GRCh37 (hg19) VCF-style: chr10-90773960-T-C.
Other names: c.*84T>C (NM_001320619.2); c.698T>C, p.Val233Ala (NM_152871.4); c.*73T>C (NM_152872.4); short protein forms V254A, V233A.
Identifiers: ClinVar variation 951899 (VCV000951899.9), dbSNP rs1848671288, ClinGen allele CA377509741.